The following is an entry in ClinVar:

ClinVar aggregate classification (germline): drug response. Review status: reviewed by expert panel (3 of 4 stars). 24 submissions from 18 submitters: drug response (7). 17 of the submissions do not count toward it. Last evaluated 2021-03-24.

Conditions:
Inborn genetic diseases. Identifiers: MedGen C0950123, MeSH D030342.
desflurane response - Toxicity.
enflurane response - Toxicity.
halothane response - Toxicity.
isoflurane response - Toxicity.
methoxyflurane response - Toxicity.
sevoflurane response - Toxicity.
succinylcholine response - Toxicity.
Hypokalemic periodic paralysis, type 1. Also called: HypoPP; Hypokalemic Periodic Paralysis Type 1 (AD). Identifiers: Orphanet 681, MedGen C3714580, MONDO:0042979, OMIM 170400.
Malignant hyperthermia, susceptibility to, 5 (MHS5). Also called: CACNA1S-Related Malignant Hyperthermia Susceptibility. Identifiers: Orphanet 423, MedGen C1866077, MONDO:0011163, OMIM 601887.
Malignant hyperthermia of anesthesia. Also called: Anesthesic-triggered malignant hyperthermia. Identifiers: Orphanet 423, MedGen C0024591, MONDO:0018493, HP:0034733.
Thyrotoxic periodic paralysis, susceptibility to, 1 (TTPP1). Identifiers: Orphanet 79102, MedGen C2749982, MONDO:0008570, OMIM 188580.
Congenital myopathy 18. Also called: Myopathy, congenital, due to dihydropyridine receptor defect; DIHYDROPYRIDINE RECEPTOR CONGENITAL MYOPATHY; DHPR CONGENITAL MYOPATHY. Identifiers: MedGen C5830283, MONDO:0859514, OMIM 620246.

Allele frequency attached by ClinVar (database versions not stated): gnomAD 0.00001 and 0.00002; TOPMed 0.00001; gnomAD exomes 0.00002 and 0.00003; ExAC 0.00003.
gnomAD v4.1: 30 of 1,614,012 alleles (0.0019%); highest among the groups gnomAD compares: East Asian, 0.049%; no homozygotes.

Submissions 1 to 12 of 24:

ClinPGx
Classification: drug response for desflurane response - Toxicity. Last evaluated: 2021-03-24. Review status: reviewed by expert panel. Criteria: Pharmacogenomics knowledge for personalized medicine. Collection method: curation. Allele origin: germline. Affected: yes.
Comment: PharmGKB Level of Evidence 1A: Level 1A clinical annotations describe variant-drug combinations that have variant-specific prescribing guidance available in a current clinical guideline annotation or an FDA-approved drug label annotation. Annotations of drug labels or clinical guidelines must give prescribing guidance for specific variants (e.g. CYP2C9*3, HLA-B*57:01) or provide mapping from defined allele functions to diplotypes and phenotypes to be used as supporting evidence for a level 1A clinical annotation. Level 1A clinical annotations must also be supported by at least one publication in addition to a clinical guideline or drug label with variant-specific prescribing guidance.

Drug is not necessarily used to treat response condition

ClinPGx
Classification: drug response for enflurane response - Toxicity. Last evaluated: 2021-03-24. Review status: reviewed by expert panel. Criteria: Pharmacogenomics knowledge for personalized medicine. Collection method: curation. Allele origin: germline. Affected: yes.
Comment: the same text as in the submission from ClinPGx above.

ClinPGx
Classification: drug response for halothane response - Toxicity. Last evaluated: 2021-03-24. Review status: reviewed by expert panel. Criteria: Pharmacogenomics knowledge for personalized medicine. Collection method: curation. Allele origin: germline. Affected: yes.
Comment: the same text as in the submission from ClinPGx above.

ClinPGx
Classification: drug response for isoflurane response - Toxicity. Last evaluated: 2021-03-24. Review status: reviewed by expert panel. Criteria: Pharmacogenomics knowledge for personalized medicine. Collection method: curation. Allele origin: germline. Affected: yes.
Comment: the same text as in the submission from ClinPGx above.

ClinPGx
Classification: drug response for methoxyflurane response - Toxicity. Last evaluated: 2021-03-24. Review status: reviewed by expert panel. Criteria: Pharmacogenomics knowledge for personalized medicine. Collection method: curation. Allele origin: germline. Affected: yes.
Comment: the same text as in the submission from ClinPGx above.

ClinPGx
Classification: drug response for sevoflurane response - Toxicity. Last evaluated: 2021-03-24. Review status: reviewed by expert panel. Criteria: Pharmacogenomics knowledge for personalized medicine. Collection method: curation. Allele origin: germline. Affected: yes.
Comment: the same text as in the submission from ClinPGx above.

ClinPGx
Classification: drug response for succinylcholine response - Toxicity. Last evaluated: 2021-03-24. Review status: reviewed by expert panel. Criteria: Pharmacogenomics knowledge for personalized medicine. Collection method: curation. Allele origin: germline. Affected: yes.
Comment: the same text as in the submission from ClinPGx above.

Labcorp Genetics (formerly Invitae), Labcorp
Classification: Likely pathogenic for Hypokalemic periodic paralysis, type 1; Malignant hyperthermia, susceptibility to, 5. Last evaluated: 2026-01-12. Review status: criteria provided, single submitter. Criteria: Invitae Variant Classification Sherloc (09022015). Collection method: clinical testing. Allele origin: germline. Not counted in ClinVar's aggregate classification.
Comment: This sequence change replaces arginine, which is basic and polar, with tryptophan, which is neutral and slightly polar, at codon 174 of the CACNA1S protein (p.Arg174Trp). This variant is present in population databases (rs772226819, gnomAD 0.01%). This missense change has been observed in individuals with autosomal dominant malignant hyperthermia susceptibility (PMID: 1982519, 24433488, 30236257). It has also been observed to segregate with disease in related individuals. ClinVar contains an entry for this variant (Variation ID: 575733). Invitae Evidence Modeling of protein sequence and biophysical properties (such as structural, functional, and spatial information, amino acid conservation, physicochemical variation, residue mobility, and thermodynamic stability) has been performed for this missense variant. However, the output from this modeling did not meet the statistical confidence thresholds required to predict the impact of this variant on CACNA1S protein function. Experimental studies have shown that this missense change affects CACNA1S function (PMID: 22547813, 23663834). In summary, the currently available evidence indicates that the variant is pathogenic, but additional data are needed to prove that conclusively. Therefore, this variant has been classified as Likely Pathogenic.

GeneDx
Classification: Pathogenic. Last evaluated: 2025-10-29. Review status: criteria provided, single submitter. Criteria: GeneDx Variant Classification Process June 2021. Collection method: clinical testing. Allele origin: germline. Affected: yes. Not counted in ClinVar's aggregate classification.
Comment: Published functional studies demonstrate impaired Ca2+ depolarization and increased sensitivity of Ca2+ release to caffeine and volatile anesthetics, while R174W-expressing myotubes had elevated Ca2+ levels and sarcoplasmic reticulum stores were partially depleted (PMID: 22547813, 23663834); In silico analysis supports that this missense variant has a deleterious effect on protein structure/function; Not observed at significant frequency in large population cohorts (gnomAD); This variant is associated with the following publications: (PMID: 27147545, 23663834, 21664226, 21845430, 24433488, 34426522, 30236257, 30476936, 37728764, 38127101, 19825159, 22547813, 19118277, 40376268, 40869992, 41000626, 41036649)

Clinical Genomics Laboratory, Washington University in St. Louis
Classification: Pathogenic for Malignant hyperthermia, susceptibility to, 5. Last evaluated: 2025-08-31. Review status: criteria provided, single submitter. Criteria: ACMG Guidelines, 2015. Collection method: clinical testing. Allele origin: germline. Affected: yes. Not counted in ClinVar's aggregate classification.
Comment: The CACNA1S c.520C>T (p.Arg174Trp) variant has been reported in several individuals affected with malignant hyperthermia with positive in vitro contracture or caffeine halothane contracture testing and is reported to segregate with disease in at least one family (Carpenter D et al., PMID: 19825159; Klingler W et al., PMID: 24433488; Levano S et al., PMID: 28259615; Miller DM et al., PMID: 30236257). This variant has been reported in the ClinVar database as a germline pathogenic variant by an expert panel. This variant is only observed in 30/1,614,012 alleles in the general population (gnomAD v.4.1.0), indicating it is not a common variant. Computational predictors indicate that the variant is damaging, evidence that correlates with impact to CACNA1S function. In support of this prediction, functional studies show this variant causes the channel to be impaired (Bannister RA and Beam KG, PMID: 23663834; Eltit JM et al., PMID: 22547813). Based on available information and the ACMG/AMP guidelines for variant interpretation (Richards S et al., PMID: 25741868), this variant is classified as pathogenic.

Ambry Genetics
Classification: Likely pathogenic for Inborn genetic diseases. Last evaluated: 2025-08-08. Review status: criteria provided, single submitter. Criteria: Ambry Variant Classification Scheme 2023. Collection method: clinical testing. Allele origin: germline. Not counted in ClinVar's aggregate classification.
Comment: The c.520C>T (p.R174W) alteration is located in exon 4 (coding exon 4) of the CACNA1S gene. This alteration results from a C to T substitution at nucleotide position 520, causing the arginine (R) at amino acid position 174 to be replaced by a tryptophan (W). Based on data from gnomAD, the c.520C>T allele has an overall frequency of 0.0028% (7/251362) total alleles studied. The highest observed frequency was 0.01087% (2/18394) of East Asian alleles. This variant was reported in individual(s) with features consistent with CACNA1S-related malignant hyperthermia susceptibility (Carpenter, 2009; Klingler, 2014; Kanzaki, 2022). The p.R174 amino acid is conserved in available vertebrate species. In multiple assays testing CACNA1S function, this variant showed functionally abnormal and functionally normal results (Eltit, 2012; Bannister, 2013; Savalli, 2021; Feng, 2023). The p.R174W alteration is predicted to be deleterious by in silico analysis. Based on the available evidence, this alteration is classified as likely pathogenic.

CeGaT Center for Human Genetics Tuebingen
Classification: Likely pathogenic. Last evaluated: 2025-08-01. Review status: criteria provided, single submitter. Criteria: CeGaT Center For Human Genetics Tuebingen Variant Classification Criteria Version 2. Collection method: clinical testing. Allele origin: germline. Affected: yes. Observed: 4 variant alleles. Not counted in ClinVar's aggregate classification.
Comment: CACNA1S: PS4:Moderate, PM2:Supporting, PP3, PP4, PS3:Supporting

NM_000069.3(CACNA1S):c.520C>T (p.Arg174Trp)

Gene: CACNA1S (calcium voltage-gated channel subunit alpha1 S; minus strand). Cytogenetic location: 1q32.1.
Variant type: single nucleotide variant.
Coding change: c.520C>T on transcript NM_000069.3 (MANE Select); coding-DNA position 520, C replaced by T.
Protein change: p.Arg174Trp; replaces arginine 174 with tryptophan.
Molecular consequence: missense variant.
Genome position (GRCh38, 1-based): chr1:201,091,993, G>A on the plus strand (C>T on the coding strand, the complement: CACNA1S is on the minus strand). VCF-style: chr1-201091993-G-A. GRCh37 (hg19) VCF-style: chr1-201061121-G-A.
Other names: short protein forms R174W.
Identifiers: ClinVar variation 575733 (VCV000575733.77), dbSNP rs772226819, ClinGen allele CA083759.